The following is an entry in ClinVar:

ClinVar aggregate classification (germline): Uncertain significance (1 of 4 stars; one submission).

Conditions:
PTPRQ-related disorder. Also called: PTPRQ-related condition.

gnomAD v4.1: 25 of 1,544,282 alleles (0.0016%); highest among the groups gnomAD compares: Non-Finnish European, 0.002%; no homozygotes.

Submission:

PreventionGenetics, part of Exact Sciences
Classification: Uncertain significance for PTPRQ-related condition. Last evaluated: 2026-06-11. Review status: criteria provided, single submitter. Criteria: ACMG Guidelines, 2015. Collection method: clinical testing. Allele origin: germline.
Comment: The PTPRQ c.2570C>A variant is predicted to result in the amino acid substitution p.Pro857His. To our knowledge, this variant has not been reported in the literature or in a large population database (gnomAD), indicating this variant is rare. At this time, the clinical significance of this variant is uncertain due to the absence of conclusive functional and genetic evidence.

NM_001145026.2(PTPRQ):c.2570C>A (p.Pro857His)

Gene: PTPRQ (protein tyrosine phosphatase receptor type Q; plus strand). Cytogenetic location: 12q21.31.
Variant type: single nucleotide variant.
Coding change: c.2570C>A on transcript NM_001145026.2 (MANE Select); coding-DNA position 2570, C replaced by A.
Protein change: p.Pro857His; replaces proline 857 with histidine.
Molecular consequence: missense variant.
Genome position (GRCh38, 1-based): chr12:80,510,335, C>A. VCF-style: chr12-80510335-C-A. GRCh37 (hg19) VCF-style: chr12-80904114-C-A.
Other names: short protein forms P857H.
Identifiers: ClinVar variation 4978305 (VCV004978305.1).